The following is an entry in ClinVar:

ClinVar aggregate classification (germline): Uncertain significance (1 of 4 stars; one submission).

Submission:

CeGaT Center for Human Genetics Tuebingen
Classification: Uncertain significance. Last evaluated: 2023-08-01. Review status: criteria provided, single submitter. Criteria: CeGaT Center For Human Genetics Tuebingen Variant Classification Criteria Version 2. Collection method: clinical testing. Allele origin: germline. Affected: yes. Observed: 1 variant allele.
Comment: ZNF462: PM2, BP4

NM_021224.6(ZNF462):c.5665A>T (p.Asn1889Tyr)

Gene: ZNF462 (zinc finger protein 462; plus strand). Cytogenetic location: 9q31.2.
Variant type: single nucleotide variant.
Coding change: c.5665A>T on transcript NM_021224.6 (MANE Select); coding-DNA position 5665, A replaced by T.
Protein change: p.Asn1889Tyr; replaces asparagine 1889 with tyrosine.
Molecular consequence: missense variant. On other transcripts: intron variant (1).
Genome position (GRCh38, 1-based): chr9:106,929,577, A>T. VCF-style: chr9-106929577-A-T. GRCh37 (hg19) VCF-style: chr9-109691858-A-T.
Other names: c.3253-948A>T (NM_001347997.2); short protein forms N1889Y.
Identifiers: ClinVar variation 2659390 (VCV002659390.24), dbSNP rs1475649728, ClinGen allele CA374416938.
Genomic context (GRCh38, chr9:106,929,577, plus strand): 5'-CACCACAGTCGGGACCTAAAGAGGGACTTCATCATTCTGGGCAACGGCCCCCGCTTGCAG[A>T]ACTCCACCTACCAGTGTAAGCACTGTGATAGCAAACTGCAAAGCACAGCCGAGCTGACCT-3'
Protein context (NP_067047.4, residues 1879-1899): IILGNGPRLQ[Asn1889Tyr]STYQCKHCDS